The following is an entry in ClinVar:

ClinVar aggregate classification (germline): Benign/Likely benign. Review status: criteria provided, multiple submitters, no conflicts (2 of 4 stars). 3 submissions from 3 submitters: Benign (1); Likely benign (2). Last evaluated 2026-01-28.

Conditions:
ALG1-congenital disorder of glycosylation. Also called: CDG Ik; CONGENITAL DISORDER OF GLYCOSYLATION, TYPE Ik; ALG1-CDG. Identifiers: Orphanet 79327, MedGen C2931005, MONDO:0012052, OMIM 608540.

Allele frequency attached by ClinVar (database versions not stated): ExAC 0.00091; 1000 Genomes Project 0.00220; gnomAD 0.00293 and 0.00311; 1000 Genomes Project 30x 0.00297; TOPMed 0.00343; ESP Exome Variant Server 0.00346.
gnomAD v4.1: 905 of 1,613,854 alleles (0.056%); highest among the groups gnomAD compares: African/African-American, 1%; 12 homozygotes.

Submissions (3):

Labcorp Genetics (formerly Invitae), Labcorp
Classification: Benign for ALG1-congenital disorder of glycosylation. Last evaluated: 2026-01-28. Review status: criteria provided, single submitter. Criteria: Invitae Variant Classification Sherloc (09022015). Collection method: clinical testing. Allele origin: germline.

Fulgent Genetics
Classification: Likely benign for ALG1-congenital disorder of glycosylation. Last evaluated: 2021-09-28. Review status: criteria provided, single submitter. Criteria: ACMG Guidelines, 2015. Collection method: clinical testing. Allele origin: unknown.

GeneDx
Classification: Likely benign. Last evaluated: 2017-04-20. Review status: criteria provided, single submitter. Criteria: GeneDx Variant Classification (06012015). Collection method: clinical testing. Allele origin: germline. Affected: yes.
Comment: This variant is considered likely benign or benign based on one or more of the following criteria: it is a conservative change, it occurs at a poorly conserved position in the protein, it is predicted to be benign by multiple in silico algorithms, and/or has population frequency not consistent with disease.

NM_019109.5(ALG1):c.539+16G>A

Gene: ALG1 (ALG1 chitobiosyldiphosphodolichol beta-mannosyltransferase; plus strand). Cytogenetic location: 16p13.3.
Variant type: single nucleotide variant.
Coding change: c.539+16G>A on transcript NM_019109.5 (MANE Select); 16 bases into the intron after coding-DNA position 539, G replaced by A.
Molecular consequence: intron variant.
Genome position (GRCh38, 1-based): chr16:5,075,552, G>A. VCF-style: chr16-5075552-G-A. GRCh37 (hg19) VCF-style: chr16-5125553-G-A.
Other names: c.206+16G>A (NM_001330504.2).
Identifiers: ClinVar variation 382061 (VCV000382061.10), dbSNP rs189715949, ClinGen allele CA7889862.